The following is an entry in ClinVar:

NM_000179.3(MSH6):c.828T>C (p.Asp276=)

Gene: MSH6 (mutS homolog 6; plus strand). Cytogenetic location: 2p16.3.
Variant type: single nucleotide variant.
Coding change: c.828T>C on transcript NM_000179.3 (MANE Select); coding-DNA position 828, T replaced by C.
Protein change: p.Asp276=; no amino-acid change (aspartic acid 276 retained).
Molecular consequence: synonymous variant. On other transcripts: 5 prime UTR variant (2).
Genome position (GRCh38, 1-based): chr2:47,798,811, T>C. VCF-style: chr2-47798811-T-C. GRCh37 (hg19) VCF-style: chr2-48025950-T-C.
Other names: c.438T>C, p.Asp146= (NM_001281492.2); c.-79T>C (NM_001281493.2, NM_001281494.2).
Identifiers: ClinVar variation 929212 (VCV000929212.4), dbSNP rs1669259831, ClinGen allele CA426120913.

ClinVar aggregate classification (germline): Benign/Likely benign. Review status: criteria provided, multiple submitters, no conflicts (2 of 4 stars). 3 submissions from 3 submitters: Benign (1); Likely benign (2). Last evaluated 2024-12-20.

Conditions:
Lynch syndrome 5 (LYNCH5). Also called: Colorectal cancer, hereditary nonpolyposis, type 5; Hereditary non-polyposis colorectal cancer, type 5. Identifiers: Orphanet 144, MedGen C1833477, MONDO:0013710, OMIM 614350. Disease mechanism: loss of function.
Hereditary nonpolyposis colorectal neoplasms. Identifiers: MedGen C0009405, MeSH D003123.

Submissions (3):

Myriad Genetics, Inc.
Classification: Benign for Lynch syndrome 5. Last evaluated: 2024-12-20. Review status: criteria provided, single submitter. Criteria: Myriad Autosomal Dominant, Autosomal Recessive and X-Linked Classification Criteria (2023). Collection method: clinical testing. Allele origin: unknown.
Comment: This variant is considered benign. This variant is a silent/synonymous amino acid change and it is not expected to impact splicing.

Labcorp Genetics (formerly Invitae), Labcorp
Classification: Likely benign for Hereditary nonpolyposis colorectal neoplasms. Last evaluated: 2024-06-21. Review status: criteria provided, single submitter. Criteria: Invitae Variant Classification Sherloc (09022015). Collection method: clinical testing. Allele origin: germline.

Women's Health and Genetics/Laboratory Corporation of America, LabCorp
Classification: Likely benign. Last evaluated: 2020-01-31. Review status: criteria provided, single submitter. Criteria: LabCorp Variant Classification Summary - May 2015. Collection method: clinical testing. Allele origin: germline.